The following is an entry in ClinVar:

NM_001395159.1(UNC79):c.7384T>G (p.Trp2462Gly)

Gene: UNC79 (unc-79 homolog, NALCN channel complex subunit; plus strand). Cytogenetic location: 14q32.12.
Variant type: single nucleotide variant.
Coding change: c.7384T>G on transcript NM_001395159.1 (MANE Select); coding-DNA position 7384, T replaced by G.
Protein change: p.Trp2462Gly; replaces tryptophan 2462 with glycine.
Molecular consequence: missense variant.
Genome position (GRCh38, 1-based): chr14:93,688,806, T>G. VCF-style: chr14-93688806-T-G. GRCh37 (hg19) VCF-style: chr14-94155152-T-G.
Other names: c.7318T>G, p.Trp2440Gly (NM_001346218.2); c.6637T>G, p.Trp2213Gly (NM_020818.5); short protein forms W2213G, W2440G, W2462G.
Identifiers: ClinVar variation 3770115 (VCV003770115.1).

ClinVar aggregate classification (germline): Uncertain significance (1 of 4 stars; one submission).

Submission:

GeneDx
Classification: Uncertain significance. Last evaluated: 2024-09-11. Review status: criteria provided, single submitter. Criteria: GeneDx Variant Classification Process June 2021. Collection method: clinical testing. Allele origin: germline. Affected: yes.
Comment: Not observed at significant frequency in large population cohorts (gnomAD); In silico analysis supports that this missense variant has a deleterious effect on protein structure/function; Has not been previously published as pathogenic or benign to our knowledge